The following is an entry in ClinVar:

NM_206926.2(SELENON):c.-21_183+6del

Gene: SELENON (selenoprotein N; plus strand). Cytogenetic location: 1p36.11.
Variant type: Deletion.
Coding change: c.-21_183+6del on transcript NM_206926.2 (MANE Select); 21 bases upstream of the start codon through 6 bases into the intron after coding-DNA position 183, 210 bases deleted.
Molecular consequence: splice donor variant, initiator codon variant.
Genome position (GRCh38, 1-based): chr1:25,800,210-25,800,419, 210 bases deleted. GRCh37 (hg19): chr1:26,126,701-26,126,910.
Other names: c.-21_183+6del (NM_020451.3).
Identifiers: ClinVar variation 2113172 (VCV002113172.5), dbSNP rs2524954033, ClinGen allele CA2580062596.

ClinVar aggregate classification (germline): Pathogenic (1 of 4 stars; one submission).

Conditions:
Eichsfeld type congenital muscular dystrophy (CMYO3). Also called: Rigid spine muscular dystrophy 1; MYOPATHY, SEPN1-RELATED; SELENON-related myopathy; Congenital myopathy 3 with rigid spine. Identifiers: MedGen C0410180, MONDO:0100100, OMIM 602771.

Submission:

Labcorp Genetics (formerly Invitae), Labcorp
Classification: Pathogenic for Eichsfeld type congenital muscular dystrophy. Last evaluated: 2023-08-09. Review status: criteria provided, single submitter. Criteria: Invitae Variant Classification Sherloc (09022015). Collection method: clinical testing. Allele origin: germline.
Comment: For these reasons, this variant has been classified as Pathogenic. ClinVar contains an entry for this variant (Variation ID: 2113172). Disruption of the initiator codon has been observed in individuals with clinical features of SELENON-related conditions (PMID: 12192640, 16779558). The frequency data for this variant in the population databases is considered unreliable, as metrics indicate insufficient coverage at this position in the gnomAD database. This sequence change affects the initiator methionine of the SELENON mRNA. The next in-frame methionine is located at codon 85.

Literature cited by the submitters: PubMed 12192640; PubMed 16779558.